The following is an entry in ClinVar:

NM_001372106.1(DNAH10):c.4960C>T (p.Arg1654Cys)

Gene: DNAH10 (dynein axonemal heavy chain 10; plus strand). Cytogenetic location: 12q24.31.
Variant type: single nucleotide variant.
Coding change: c.4960C>T on transcript NM_001372106.1 (MANE Select); coding-DNA position 4960, C replaced by T.
Protein change: p.Arg1654Cys; replaces arginine 1654 with cysteine.
Molecular consequence: missense variant.
Genome position (GRCh38, 1-based): chr12:123,838,513, C>T. VCF-style: chr12-123838513-C-T. GRCh37 (hg19) VCF-style: chr12-124323060-C-T.
Other names: c.4606C>T, p.Arg1536Cys (NM_207437.3); short protein forms R1654C, R1536C.
Identifiers: ClinVar variation 710970 (VCV000710970.5), dbSNP rs183923487, ClinGen allele CA6863714.
Genomic context (GRCh38, chr12:123,838,513, plus strand): 5'-CAGATCATGGGTGAGACCTTAAAAGACCCCGTGATCAAGAGGTGCTGTGAAGCCCCAAAC[C>T]GCCTCAGTGACCTACAGAACGTCAGCGAGGGCCTGGAGAAATGCCAGAAAAGCCTCAACG-3'
Protein context (NP_001359035.1, residues 1644-1664): VIKRCCEAPN[Arg1654Cys]LSDLQNVSEG

ClinVar aggregate classification (germline): Benign. Review status: criteria provided, single submitter (1 of 4 stars). 2 submissions from 2 submitters: Benign (1). 1 of the submissions does not count toward it. Last evaluated 2018-05-23.

Conditions:
DNAH10-related disorder. Also called: DNAH10-related condition.

Allele frequency attached by ClinVar (database versions not stated): TOPMed 0.00027; ESP Exome Variant Server 0.00057; gnomAD exomes 0.00161; 1000 Genomes Project 30x 0.00172; 1000 Genomes Project 0.00220; gnomAD 0.00666.
gnomAD v4.1: 2,873 of 1,613,982 alleles (0.18%); highest among the groups gnomAD compares: East Asian, 0.078%; 39 homozygotes.

Submissions (2):

Labcorp Genetics (formerly Invitae), Labcorp
Classification: Benign. Last evaluated: 2018-05-23. Review status: criteria provided, single submitter. Criteria: Invitae Variant Classification Sherloc (09022015). Collection method: clinical testing. Allele origin: germline.

PreventionGenetics, part of Exact Sciences
Classification: Benign for DNAH10-related condition. Last evaluated: 2019-09-17. Review status: no assertion criteria provided. Collection method: clinical testing. Allele origin: germline. Not counted in ClinVar's aggregate classification.
Comment: This variant is classified as benign based on ACMG/AMP sequence variant interpretation guidelines (Richards et al. 2015 PMID: 25741868, with internal and published modifications).